The following is an entry in ClinVar:

GRCh37/hg19 16q21-24.1(chr16:62746020-84485022)x3

Genes: ESRP2 (epithelial splicing regulatory protein 2; minus strand), EXOC3L1 (exocyst complex component 3 like 1; minus strand), EXOSC6 (exosome component 6; minus strand), FA2H (fatty acid 2-hydroxylase; minus strand), FBXL8 (F-box and leucine rich repeat protein 8; plus strand) and 191 more. Cytogenetic location: 16q21-24.1.
Variant type: copy number gain.
Change: copy number 3 (three copies instead of two) of chr16:62,746,020-84,485,022 (21.74 Mb, GRCh37 coordinates, 1-based), cytogenetic band 16q21-24.1.
Identifiers: ClinVar variation 3391857 (VCV003391857.1).

ClinVar aggregate classification (germline): Pathogenic (1 of 4 stars; one submission).

Submission:

Quest Diagnostics Nichols Institute San Juan Capistrano
Classification: Pathogenic. Last evaluated: 2024-02-08. Review status: criteria provided, single submitter. Criteria: ACMG/ClinGen CNV Guidelines, 2019. Collection method: clinical testing. Allele origin: unknown.
Comment: This gain involves at least 195 protein-coding genes. Individuals with smaller and/or overlapping duplications may present with a variety of phenotypes (Carvalho 2021, Girirajan 2013, Gunther 2021, Laus 2012, Mishar 2018, Moschella 2023, Qiu 2023, Szymanska 2014, Tokutomi 2009). Therefore, based on gene content and current medical literature, this CNV is classified as pathogenic. References: Carvalho et al., Cytogenet Genome Res. 2021;161(3-4):160-166. PMID: 34107486; Girirajan et al., Am J Hum Genet. 2013 Feb 7;92(2):221-37. PMID: 23375656; Gunther et al., Clin Case Rep. 2021 Jan 27;9(3):1629-1633. PMID: 33768904; Laus et al., Am J Med Genet A. 2012 Apr;158A(4):821-7. PMID: 22354628; Mishra et al., BMC Pediatr. 2018 Jan 8;18(1):4. PMID: 29310616; Moschella et al., BMC Med Genomics. 2023 Dec 4;16(1):315. PMID: 38049856; Szymanska et al., Biomed Res Int. 2014:2014:424796. PMID: 24949445; Tokutomi et al., Am J Med Genet A. 2009 Nov;149A(11):2560-3. PMID: 19842195; Qiu et al., BMC Psychiatry. 2023 Feb 7;23(1):96. PMID: 36750796